The following is an entry in ClinVar:

ClinVar aggregate classification (germline): Uncertain significance. Review status: criteria provided, single submitter (1 of 4 stars). 3 submissions from 3 submitters: Uncertain significance (1). 2 of the submissions do not count toward it. Last evaluated 2023-04-03.

Conditions:
NQO1-related disorder. Also called: NQO1-related condition.
Benzene toxicity, susceptibility to. Identifiers: MedGen CN071338.

Allele frequency attached by ClinVar (database versions not stated): gnomAD 0.21635 and 0.20869; gnomAD exomes 0.25205; 1000 Genomes Project 30x 0.28232; TOPMed 0.22748; ExAC 0.24516; 1000 Genomes Project 0.28894.
gnomAD v4.1: 333,132 of 1,610,182 alleles (21%); highest among the groups gnomAD compares: East Asian, 42%; 37,821 homozygotes.

Submissions (3):

Department of Pathology and Laboratory Medicine, Sinai Health System
Classification: Uncertain significance for NQO1-related disorder. Last evaluated: 2023-04-03. Review status: criteria provided, single submitter. Criteria: ACMG Guidelines, 2015. Collection method: research. Allele origin: germline.

PreventionGenetics, part of Exact Sciences
Classification: Benign for NQO1-related condition. Last evaluated: 2019-10-17. Review status: no assertion criteria provided. Collection method: clinical testing. Allele origin: germline. Not counted in ClinVar's aggregate classification.
Comment: This variant is classified as benign based on ACMG/AMP sequence variant interpretation guidelines (Richards et al. 2015 PMID: 25741868, with internal and published modifications).

OMIM
Classification: Benign for RECLASSIFIED - NQO1 POLYMORPHISM. Last evaluated: 2008-07-01. Review status: no assertion criteria provided. Collection method: literature only. Allele origin: germline. Not counted in ClinVar's aggregate classification.

Literature cited by the submitters: Hamosh, A. Personal Communication. 2025. Baltimore, Md. (cited by OMIM); PubMed 1737339 (cited by OMIM); PubMed 9000600 (cited by OMIM); PubMed 9328142 (cited by OMIM); PubMed 9230185 (cited by OMIM); PubMed 10393963 (cited by OMIM); PubMed 6933553 (cited by OMIM); PubMed 10393869 (cited by OMIM); PubMed 9855009 (cited by OMIM); PubMed 9593466 (cited by OMIM); PubMed 18511948 (cited by OMIM).

NM_000903.3(NQO1):c.559C>T (p.Pro187Ser)

Gene: NQO1 (NAD(P)H quinone dehydrogenase 1; minus strand). Cytogenetic location: 16q22.1.
Variant type: single nucleotide variant.
Coding change: c.559C>T on transcript NM_000903.3 (MANE Select); coding-DNA position 559, C replaced by T.
Protein change: p.Pro187Ser; replaces proline 187 with serine.
Molecular consequence: missense variant.
Genome position (GRCh38, 1-based): chr16:69,711,242, G>A on the plus strand (C>T on the coding strand, the complement: NQO1 is on the minus strand). VCF-style: chr16-69711242-G-A. GRCh37 (hg19) VCF-style: chr16-69745145-G-A.
Other names: c.457C>T, p.Pro153Ser (NM_001025433.2); c.445C>T, p.Pro149Ser (NM_001025434.2); c.343C>T, p.Pro115Ser (NM_001286137.2); c.559C>T (NM_000903.2); short protein forms P187S, P115S, P149S, P153S.
Identifiers: ClinVar variation 16809 (VCV000016809.7), dbSNP rs1800566, ClinGen allele CA126904.